The following is an entry in ClinVar:

ClinVar aggregate classification (germline): Uncertain significance. Review status: criteria provided, multiple submitters, no conflicts (2 of 4 stars). 2 submissions from 2 submitters: Uncertain significance (2). Last evaluated 2025-09-17.

Conditions:
Spastic paraplegia. Identifiers: MedGen C0037772, HP:0001258.
Inborn genetic diseases. Identifiers: MedGen C0950123, MeSH D030342.

Allele frequency attached by ClinVar (database versions not stated): gnomAD exomes below 0.00001; gnomAD 0.00001; TOPMed 0.00003.
gnomAD v4.1: 7 of 1,613,946 alleles (0.00043%); highest among the groups gnomAD compares: Admixed American, 0.01%; no homozygotes.

Submissions (2):

Labcorp Genetics (formerly Invitae), Labcorp
Classification: Uncertain significance for Spastic paraplegia. Last evaluated: 2025-09-17. Review status: criteria provided, single submitter. Criteria: Invitae Variant Classification Sherloc (09022015). Collection method: clinical testing. Allele origin: germline.
Comment: This sequence change replaces asparagine, which is neutral and polar, with serine, which is neutral and polar, at codon 177 of the RTN2 protein (p.Asn177Ser). This variant is present in population databases (no rsID available, gnomAD 0.003%). This variant has not been reported in the literature in individuals affected with RTN2-related conditions. ClinVar contains an entry for this variant (Variation ID: 3157011). An algorithm developed to predict the effect of missense changes on protein structure and function (PolyPhen-2) suggests that this variant is likely to be tolerated. In summary, the available evidence is currently insufficient to determine the role of this variant in disease. Therefore, it has been classified as a Variant of Uncertain Significance.

Ambry Genetics
Classification: Uncertain significance for Inborn genetic diseases. Last evaluated: 2023-12-20. Review status: criteria provided, single submitter. Criteria: Ambry Variant Classification Scheme 2023. Collection method: clinical testing. Allele origin: germline.

NM_005619.5(RTN2):c.530A>G (p.Asn177Ser)

Genes: OPA3-RTN2 (OPA3-RTN2 readthrough; minus strand), RTN2 (reticulon 2; minus strand). Cytogenetic location: 19q13.32.
Variant type: single nucleotide variant.
Coding change: c.530A>G on transcript NM_005619.5 (MANE Select); coding-DNA position 530, A replaced by G.
Protein change: p.Asn177Ser; replaces asparagine 177 with serine.
Molecular consequence: missense variant.
Genome position (GRCh38, 1-based): chr19:45,494,555, T>C on the plus strand (A>G on the coding strand, the complement: RTN2 is on the minus strand). VCF-style: chr19-45494555-T-C. GRCh37 (hg19) VCF-style: chr19-45997813-T-C.
Other names: c.530A>G, p.Asn177Ser (NM_206900.3); short protein forms N177S.
Identifiers: ClinVar variation 3157011 (VCV003157011.3), dbSNP rs1020453743, ClinGen allele CA308955026.